The following is an entry in ClinVar:

NM_014780.5(CUL7):c.3937G>T (p.Glu1313Ter)

Gene: CUL7 (cullin 7; minus strand). Cytogenetic location: 6p21.1.
Variant type: single nucleotide variant.
Coding change: c.3937G>T on transcript NM_014780.5 (MANE Select); coding-DNA position 3937, G replaced by T.
Protein change: p.Glu1313Ter; replaces glutamic acid 1313 with a stop codon.
Molecular consequence: nonsense.
Genome position (GRCh38, 1-based): chr6:43,040,616, C>A on the plus strand (G>T on the coding strand, the complement: CUL7 is on the minus strand). VCF-style: chr6-43040616-C-A. GRCh37 (hg19) VCF-style: chr6-43008354-C-A.
Other names: c.4033G>T, p.Glu1345Ter (NM_001168370.2, NM_001374872.1); c.3937G>T, p.Glu1313Ter (NM_001374873.1); c.3934G>T, p.Glu1312Ter (NM_001374874.1); short protein forms E1312*, E1313*, E1345*.
Identifiers: ClinVar variation 2734864 (VCV002734864.3), dbSNP rs761544849, ClinGen allele CA138241547.
Genomic context (GRCh38, chr6:43,040,616, plus strand): 5'-GCTTCAGGAGTTCCTGATCCAGCTGCTGGAGCTGGTAGACGTGGAACTGGCGCTGCAGCT[C>A]CTTAGAGGTGCTCAGGCTCTGCAACATCTGCTGGGGGAGGCGGTTGGGGAAGCAGGGACC-3'

ClinVar aggregate classification (germline): Pathogenic (1 of 4 stars; one submission).

Allele frequency attached by ClinVar (database versions not stated): TOPMed 0.00001; gnomAD exomes 0.00002.
gnomAD v4.1: 24 of 1,614,262 alleles (0.0015%); highest among the groups gnomAD compares: Non-Finnish European, 0.0019%; no homozygotes.

Submission:

Labcorp Genetics (formerly Invitae), Labcorp
Classification: Pathogenic. Last evaluated: 2023-12-07. Review status: criteria provided, single submitter. Criteria: Invitae Variant Classification Sherloc (09022015). Collection method: clinical testing. Allele origin: germline.
Comment: This sequence change creates a premature translational stop signal (p.Glu1313*) in the CUL7 gene. It is expected to result in an absent or disrupted protein product. Loss-of-function variants in CUL7 are known to be pathogenic (PMID: 16142236, 17675530, 19225462). This variant is present in population databases (rs761544849, gnomAD 0.0009%). This premature translational stop signal has been observed in individual(s) with 3-M syndrome (PMID: 23018678). For these reasons, this variant has been classified as Pathogenic.

Literature cited by the submitters: PubMed 16142236; PubMed 17675530; PubMed 19225462; PubMed 23018678.